The following is an entry in ClinVar:

NM_001160148.2(DDHD1):c.1780GAA[1] (p.Glu595del)

Gene: DDHD1 (DDHD domain containing 1; minus strand). Cytogenetic location: 14q22.1.
Variant type: Microsatellite.
Coding change: c.1780GAA[1] on transcript NM_001160148.2 (MANE Select); one copy of the 3-base unit GAA starting at c.1780; the reference has two copies in a row; one copy, 3 bases deleted.
Protein change: p.Glu595del; deletes glutamic acid 595.
Molecular consequence: inframe deletion.
Genome position (GRCh38, 1-based): chr14:53,061,183-53,061,185, TTC deleted on the plus strand (GAA on the coding strand, the reverse complement: DDHD1 is on the minus strand); deleting any 3 consecutive bases within chr14:53,061,183-53,061,189 gives the same sequence; the position shown is the placement nearest the transcript's 3' end. VCF-style (leftmost placement, unchanged base first): chr14-53061182-GTTC-G. GRCh37 (hg19) VCF-style: chr14-53527900-GTTC-G.
Other names: p.Glu602del; c.1804_1806delGAA (NM_001160147.1); c.1801GAA[1], p.Glu602del (NM_001160147.2); c.1780GAA[1], p.Glu595del (NM_030637.3); c.1804_1806del (NM_001160147.2); short protein forms E595del, E602del.
Identifiers: ClinVar variation 238600 (VCV000238600.9), dbSNP rs772636180, ClinGen allele CA7191131.
Genomic context (GRCh38, chr14:53,061,182, plus strand): 5'-TTACCTTAAATTTTAAGGCAGGTGTTTGTGTCATAGATGATGCTTTCAATCCGTGAAGCC[GTTC>G]TTCTATTTCCTTCAGCCTAAGAAGGGGTATGAGATTATATACACACACGTATTTATAATT-3'

ClinVar aggregate classification (germline): Uncertain significance. Review status: criteria provided, multiple submitters, no conflicts (2 of 4 stars). 3 submissions from 3 submitters: Uncertain significance (3). Last evaluated 2025-08-28.

Conditions:
Hereditary spastic paraplegia 28. Also called: Spastic paraplegia 28, autosomal recessive. Identifiers: Orphanet 101008, MedGen C1836295, MONDO:0012256, OMIM 609340.

Submissions (3):

Mayo Clinic Laboratories, Mayo Clinic
Classification: Uncertain significance. Last evaluated: 2025-08-28. Review status: criteria provided, single submitter. Criteria: ACMG Guidelines, 2015. Collection method: clinical testing. Allele origin: germline. Observed: 1 variant allele.
Comment: PM4

Labcorp Genetics (formerly Invitae), Labcorp
Classification: Uncertain significance for Hereditary spastic paraplegia 28. Last evaluated: 2022-07-31. Review status: criteria provided, single submitter. Criteria: Invitae Variant Classification Sherloc (09022015). Collection method: clinical testing. Allele origin: germline.
Comment: This variant, c.1804_1806del, results in the deletion of 1 amino acid(s) of the DDHD1 protein (p.Glu602del), but otherwise preserves the integrity of the reading frame. This variant is present in population databases (rs772636180, gnomAD 0.03%). This variant has not been reported in the literature in individuals affected with DDHD1-related conditions. ClinVar contains an entry for this variant (Variation ID: 238600). Experimental studies and prediction algorithms are not available or were not evaluated, and the functional significance of this variant is currently unknown. In summary, the available evidence is currently insufficient to determine the role of this variant in disease. Therefore, it has been classified as a Variant of Uncertain Significance.

GeneDx
Classification: Uncertain significance. Last evaluated: 2021-07-21. Review status: criteria provided, single submitter. Criteria: GeneDx Variant Classification Process June 2021. Collection method: clinical testing. Allele origin: germline. Affected: yes.
Comment: In-frame deletion of 1 amino acid in a non-repeat region; In silico analysis supports a deleterious effect on protein structure/function; Has not been previously published as pathogenic or benign to our knowledge; This variant is associated with the following publications: (PMID: 27535533)